The following is an entry in ClinVar:

NM_003356.4(UCP3):c.450C>T (p.Leu150=)

Gene: UCP3 (uncoupling protein 3; minus strand). Cytogenetic location: 11q13.4.
Variant type: single nucleotide variant.
Coding change: c.450C>T on transcript NM_003356.4 (MANE Select); coding-DNA position 450, C replaced by T.
Protein change: p.Leu150=; no amino-acid change (leucine 150 retained).
Molecular consequence: synonymous variant.
Genome position (GRCh38, 1-based): chr11:74,005,821, G>A on the plus strand (C>T on the coding strand, the complement: UCP3 is on the minus strand). VCF-style: chr11-74005821-G-A. GRCh37 (hg19) VCF-style: chr11-73716866-G-A.
Other names: c.450C>T (NM_003356.3); c.450C>T, p.Leu150= (NM_022803.3).
Identifiers: ClinVar variation 2048212 (VCV002048212.6), dbSNP rs745517663, ClinGen allele CA6181483.

ClinVar aggregate classification (germline): Likely benign. Review status: criteria provided, single submitter (1 of 4 stars). 2 submissions from 2 submitters: Likely benign (1). 1 of the submissions does not count toward it. Last evaluated 2025-11-17.

Conditions:
UCP3-related disorder. Also called: UCP3-related condition.

Allele frequency attached by ClinVar (database versions not stated): gnomAD 0.00001; gnomAD exomes 0.00003; TOPMed 0.00003; ExAC 0.00009.
gnomAD v4.1: 40 of 1,614,038 alleles (0.0025%); highest among the groups gnomAD compares: Admixed American, 0.028%; no homozygotes.

Submissions (2):

Labcorp Genetics (formerly Invitae), Labcorp
Classification: Likely benign. Last evaluated: 2025-11-17. Review status: criteria provided, single submitter. Criteria: Invitae Variant Classification Sherloc (09022015). Collection method: clinical testing. Allele origin: germline.

PreventionGenetics, part of Exact Sciences
Classification: Likely benign for UCP3-related condition. Last evaluated: 2021-10-04. Review status: no assertion criteria provided. Collection method: clinical testing. Allele origin: germline. Not counted in ClinVar's aggregate classification.
Comment: This variant is classified as likely benign based on ACMG/AMP sequence variant interpretation guidelines (Richards et al. 2015 PMID: 25741868, with internal and published modifications).